The following is an entry in ClinVar:

ClinVar aggregate classification (germline): Pathogenic. Review status: criteria provided, multiple submitters, no conflicts (2 of 4 stars). 3 submissions from 3 submitters: Pathogenic (3). Last evaluated 2023-10-18.

Conditions:
Primary ciliary dyskinesia. Also called: Ciliary dyskinesia. Identifiers: Orphanet 244, MedGen C0008780, MONDO:0016575, HP:0012265.

Submissions (3):

Labcorp Genetics (formerly Invitae), Labcorp
Classification: Pathogenic for Primary ciliary dyskinesia. Last evaluated: 2023-10-18. Review status: criteria provided, single submitter. Criteria: Invitae Variant Classification Sherloc (09022015). Collection method: clinical testing. Allele origin: germline.
Comment: This sequence change creates a premature translational stop signal (p.Leu183Glyfs*3) in the CCDC39 gene. It is expected to result in an absent or disrupted protein product. Loss-of-function variants in CCDC39 are known to be pathogenic (PMID: 21131972, 23255504). This variant is present in population databases (rs758482424, gnomAD 0.002%). This variant has not been reported in the literature in individuals affected with CCDC39-related conditions. ClinVar contains an entry for this variant (Variation ID: 817471). Algorithms developed to predict the effect of sequence changes on RNA splicing suggest that this variant may disrupt the consensus splice site. For these reasons, this variant has been classified as Pathogenic.

GeneDx
Classification: Pathogenic. Last evaluated: 2021-10-29. Review status: criteria provided, single submitter. Criteria: GeneDx Variant Classification Process June 2021. Collection method: clinical testing. Allele origin: germline. Affected: yes.
Comment: Observed phase unknown with a second variant in two unrelated patients with primary ciliary dyskinesia in published literature (Baz-Redon et al., 2021); Frameshift variant predicted to result in protein truncation or nonsense mediated decay in a gene for which loss-of-function is a known mechanism of disease; Not observed at a significant frequency in large population cohorts (Lek et al., 2016); This variant is associated with the following publications: (PMID: 32253119)

Ambry Genetics
Classification: Pathogenic for Primary ciliary dyskinesia. Last evaluated: 2016-09-28. Review status: criteria provided, single submitter. Criteria: Ambry Variant Classification Scheme 2023. Collection method: clinical testing. Allele origin: germline.
Comment: The c.547_548delTT pathogenic mutation, located in coding exon 5 of the CCDC39 gene, results from a deletion of two nucleotides at nucleotide positions 547 to 548, causing a translational frameshift with a predicted alternate stop codon (p.L183Gfs*3). This alteration is expected to result in loss of function by premature protein truncation or nonsense-mediated mRNA decay. As such, this alteration is interpreted as a disease-causing mutation.

Literature cited by the submitters: PubMed 21131972 (cited by Labcorp Genetics (formerly Invitae), Labcorp); PubMed 23255504 (cited by Labcorp Genetics (formerly Invitae), Labcorp).

NM_181426.2(CCDC39):c.547_548del (p.Leu183fs)

Gene: CCDC39 (coiled-coil domain 39 molecular ruler complex subunit; minus strand). Cytogenetic location: 3q26.33.
Variant type: Deletion.
Coding change: c.547_548del on transcript NM_181426.2 (MANE Select); coding-DNA positions 547 to 548, 2 bases deleted (TT; older notation c.547_548delTT).
Protein change: p.Leu183fs; shifts the reading frame from leucine 183.
Molecular consequence: frameshift variant.
Genome position (GRCh38, 1-based): chr3:180,659,738-180,659,739, AA deleted on the plus strand (TT on the coding strand, the reverse complement: CCDC39 is on the minus strand); deleting any 2 consecutive bases within chr3:180,659,738-180,659,740 gives the same sequence; the c. name uses the placement nearest the transcript's 3' end. VCF-style (leftmost placement, unchanged base first): chr3-180659737-CAA-C. GRCh37 (hg19) VCF-style: chr3-180377525-CAA-C.
Other names: c.547_548del (NM_181426.1); short protein forms L183fs.
Identifiers: ClinVar variation 817471 (VCV000817471.13), dbSNP rs758482424, ClinGen allele CA2716141.
Genomic context (GRCh38, chr3:180,659,737, plus strand): 5'-CTGTGCGCTTATAGTCTCTGTAAGTTCGTTGTCAAGTATCTTTCTTTTCTGATTACATTC[CAA>C]AGTTAGTCTTTCTAATTGCAGAGTCAGTGCCTATGATGTAATTATATACAGATACTTATA-3'